The following is an entry in ClinVar:

NM_000245.4(MET):c.1978A>G (p.Thr660Ala)

Gene: MET (MET proto-oncogene, receptor tyrosine kinase; plus strand). Cytogenetic location: 7q31.2.
Variant type: single nucleotide variant.
Coding change: c.1978A>G on transcript NM_000245.4 (MANE Select); coding-DNA position 1978, A replaced by G.
Protein change: p.Thr660Ala; replaces threonine 660 with alanine.
Molecular consequence: missense variant.
Genome position (GRCh38, 1-based): chr7:116,757,650, A>G. VCF-style: chr7-116757650-A-G. GRCh37 (hg19) VCF-style: chr7-116397704-A-G.
Other names: c.1978A>G, p.Thr660Ala (NM_001127500.3, NM_001324401.3); c.688A>G, p.Thr230Ala (NM_001324402.2); short protein forms T660A, T230A.
Identifiers: ClinVar variation 4770638 (VCV004770638.1).

ClinVar aggregate classification (germline): Uncertain significance (1 of 4 stars; one submission).

Conditions:
Renal cell carcinoma. Identifiers: Orphanet 217071, MedGen C0007134, MeSH D002292, MONDO:0005086, HP:0005584.

Submission:

Labcorp Genetics (formerly Invitae), Labcorp
Classification: Uncertain significance for Renal cell carcinoma. Last evaluated: 2025-05-13. Review status: criteria provided, single submitter. Criteria: Invitae Variant Classification Sherloc (09022015). Collection method: clinical testing. Allele origin: germline.
Comment: This sequence change replaces threonine, which is neutral and polar, with alanine, which is neutral and non-polar, at codon 660 of the MET protein (p.Thr660Ala). This variant is not present in population databases (gnomAD no frequency). This variant has not been reported in the literature in individuals affected with MET-related conditions. Invitae Evidence Modeling of protein sequence and biophysical properties (such as structural, functional, and spatial information, amino acid conservation, physicochemical variation, residue mobility, and thermodynamic stability) indicates that this missense variant is not expected to disrupt MET protein function with a negative predictive value of 80%. In summary, the available evidence is currently insufficient to determine the role of this variant in disease. Therefore, it has been classified as a Variant of Uncertain Significance.